The following is an entry in ClinVar:

NM_018718.3(CEP41):c.5C>T (p.Ser2Phe)

Gene: CEP41 (centrosomal protein 41; minus strand). Cytogenetic location: 7q32.2.
Variant type: single nucleotide variant.
Coding change: c.5C>T on transcript NM_018718.3 (MANE Select); coding-DNA position 5, C replaced by T.
Protein change: p.Ser2Phe; replaces serine 2 with phenylalanine.
Molecular consequence: missense variant. On other transcripts: non-coding transcript variant (1).
Genome position (GRCh38, 1-based): chr7:130,440,962, G>A on the plus strand (C>T on the coding strand, the complement: CEP41 is on the minus strand). VCF-style: chr7-130440962-G-A. GRCh37 (hg19) VCF-style: chr7-130080803-G-A.
Other names: c.5C>T, p.Ser2Phe (NM_001257158.2, NM_001257159.2, NM_001257160.2); short protein forms S2F.
Identifiers: ClinVar variation 855107 (VCV000855107.13), dbSNP rs782137799, ClinGen allele CA4485756.

ClinVar aggregate classification (germline): Uncertain significance. Review status: criteria provided, multiple submitters, no conflicts (2 of 4 stars). 5 submissions from 5 submitters: Uncertain significance (2). 3 of the submissions do not count toward it. Last evaluated 2024-01-09.

Conditions:
Joubert syndrome 15 (JBTS15). Identifiers: Orphanet 475, MedGen C3280897, MONDO:0013763, OMIM 614464.

Allele frequency attached by ClinVar (database versions not stated): gnomAD 0.00010 and 0.00011; TOPMed 0.00010; ExAC 0.00022; gnomAD exomes 0.00027.
gnomAD v4.1: 195 of 1,612,840 alleles (0.012%); highest among the groups gnomAD compares: South Asian, 0.089%; 5 homozygotes.

Submissions (5):

Labcorp Genetics (formerly Invitae), Labcorp
Classification: Uncertain significance for Joubert syndrome 15. Last evaluated: 2024-01-09. Review status: criteria provided, single submitter. Criteria: Invitae Variant Classification Sherloc (09022015). Collection method: clinical testing. Allele origin: germline.
Comment: This sequence change replaces serine, which is neutral and polar, with phenylalanine, which is neutral and non-polar, at codon 2 of the CEP41 protein (p.Ser2Phe). This variant is present in population databases (rs782137799, gnomAD 0.1%), including at least one homozygous and/or hemizygous individual. This missense change has been observed in individual(s) with clinical features of Bardet-Biedl syndrome (PMID: 29588463). ClinVar contains an entry for this variant (Variation ID: 855107). An algorithm developed to predict the effect of missense changes on protein structure and function (PolyPhen-2) suggests that this variant is likely to be disruptive. In summary, the available evidence is currently insufficient to determine the role of this variant in disease. Therefore, it has been classified as a Variant of Uncertain Significance.

Juno Genomics, Hangzhou Juno Genomics, Inc
Classification: Uncertain significance for Joubert syndrome 15. Review status: criteria provided, single submitter. Criteria: ACMG Guidelines, 2015. Collection method: clinical testing. Allele origin: germline.
Comment: Absent from controls (or at extremely low frequency if recessive) in Genome Aggregation Database.;Multiple lines of computational evidence support a deleterious effect on the gene or gene product.;For recessive disorders, detected in trans with a pathogenic variant.

Genetics and Genomic Medicine Centre, NeuroGen Healthcare, NeuroGen Healthcare
Classification: Uncertain significance. Last evaluated: 2021-09-01. Review status: no assertion criteria provided. Collection method: clinical testing. Allele origin: unknown. Affected: yes. Not counted in ClinVar's aggregate classification.

Genome Diagnostics Laboratory, Amsterdam University Medical Center
Classification: Uncertain significance. Review status: no assertion criteria provided. Collection method: clinical testing. Allele origin: germline. Affected: yes. Study: VKGL Data-share Consensus. Not counted in ClinVar's aggregate classification.

Laboratory of Diagnostic Genome Analysis, Leiden University Medical Center (LUMC)
Classification: Uncertain significance. Review status: no assertion criteria provided. Collection method: clinical testing. Allele origin: germline. Affected: yes. Study: VKGL Data-share Consensus. Not counted in ClinVar's aggregate classification.

Literature cited by the submitters: PubMed 29588463 (cited by Labcorp Genetics (formerly Invitae), Labcorp).